The following is an entry in ClinVar:

NR_003051.3(RMRP):n.-17_-5dup13

Gene: RMRP (RNA component of mitochondrial RNA processing endoribonuclease; minus strand). Cytogenetic location: 9p13.3.
Variant type: Duplication.
Genome position: GRCh38 VCF-style: chr9-35658022-T-TCCTCAGCTTCACA. GRCh37 (hg19) VCF-style: chr9-35658019-T-TCCTCAGCTTCACA.
Identifiers: ClinVar variation 984455 (VCV000984455.1), dbSNP rs1823637491, ClinGen allele CA1139660931.

ClinVar aggregate classification (germline): Likely pathogenic. Review status: criteria provided, multiple submitters, no conflicts (2 of 4 stars). 2 submissions from 2 submitters: Likely pathogenic (2). Last evaluated 2024-04-30.

Conditions:
Metaphyseal chondrodysplasia, McKusick type (CHH). Also called: Cartilage-hair hypoplasia; Cartilage-Hair Hypoplasia (CHH). Identifiers: Orphanet 175, MedGen C0220748, MONDO:0009595, OMIM 250250.

Submissions (2):

Natera, Inc.
Classification: Likely pathogenic for Cartilage-hair hypoplasia. Last evaluated: 2024-04-30. Review status: criteria provided, single submitter. Criteria: Natera Variant Classification Schema (03/2026). Collection method: clinical testing. Allele origin: germline.
Comment: The n.-17_-5dupTGTGAAGCTGAGG variant in RMRP is a duplication affecting the RMRP promoter region between the TATA box and the transcription initiation site. Other duplications and insertions just upstream of the transcription initiation site have been reported in individuals affected with cartilage-hair hypoplasia (PMID: 11207361, 17937437). This variant is rare in the general population with a frequency below the threshold expected for the associated phenotype(s). Given the available evidence, this variant is classified as Likely pathogenic.

Women's Health and Genetics/Laboratory Corporation of America, LabCorp
Classification: Likely pathogenic for Metaphyseal chondrodysplasia, McKusick type. Last evaluated: 2020-10-28. Review status: criteria provided, single submitter. Criteria: LabCorp Variant Classification Summary - May 2015. Collection method: clinical testing. Allele origin: germline.
Comment: Variant summary: RMRP n.-17_-5dup13 involves the duplication of 13 nucleotides in the promoter region of RMRP, which is located between the TATA box (-33 to -25) and the transcription initiation site. Other insertions or duplications in the promoter region of RMRP have been classified as pathogenic (internally and in ClinVar). The variant was absent in 127922 control chromosomes (gnomAD). The available data on variant occurrences in the general population are insufficient to allow any conclusion about variant significance. To our knowledge, no occurrence of n.-17_-5dup13 in individuals affected with Cartilage-Hair Hypoplasia and no experimental evidence demonstrating its impact on protein function have been reported. However, many other insertions or duplications in the promoter region of RMRP have been reported in affected individuals in the literature (e.g. PMIDs: 21956908, 21396580) and have been demonstrated through functional studies to lead to reduced RMRP transcription (e.g. PMIDs: 11207361, 16254002). No clinical diagnostic laboratories have submitted clinical-significance assessments for this variant to ClinVar after 2014. Based on the evidence outlined above, the variant was classified as likely pathogenic.

Literature cited by the submitters: PubMed 11207361 (cited by Natera, Inc.); PubMed 17937437 (cited by Natera, Inc.).